The following is an entry in ClinVar:

NM_001276270.2(MBD4):c.534C>T (p.Leu178=)

Gene: MBD4 (methyl-CpG binding domain 4, DNA glycosylase; minus strand). Cytogenetic location: 3q21.3.
Variant type: single nucleotide variant.
Coding change: c.534C>T on transcript NM_001276270.2 (MANE Select); coding-DNA position 534, C replaced by T.
Protein change: p.Leu178=; no amino-acid change (leucine 178 retained).
Molecular consequence: synonymous variant. On other transcripts: intron variant (1).
Genome position (GRCh38, 1-based): chr3:129,437,110, G>A on the plus strand (C>T on the coding strand, the complement: MBD4 is on the minus strand). VCF-style: chr3-129437110-G-A. GRCh37 (hg19) VCF-style: chr3-129155953-G-A.
Other names: c.534C>T, p.Leu178= (NM_001276271.2, NM_001276272.2, NM_003925.3); c.247+698C>T (NM_001276273.2).
Identifiers: ClinVar variation 3676907 (VCV003676907.4).

ClinVar aggregate classification (germline): Benign/Likely benign. Review status: criteria provided, multiple submitters, no conflicts (2 of 4 stars). 3 submissions from 3 submitters: Benign (1); Likely benign (2). Last evaluated 2026-06-11.

Conditions:
Inborn genetic diseases. Identifiers: MedGen C0950123, MeSH D030342.
Tumor predisposition syndrome 2 (TPDS2). Also called: MBD4-ASSOCIATED NEOPLASIA SYNDROME; MBD4-Related Tumor Predisposition Syndrome; MBD4-associated neoplasia syndrome (MANS). Identifiers: Orphanet 661526, MedGen C5774186, MONDO:0859267, OMIM 619975.

gnomAD v4.1: 10 of 1,613,860 alleles (0.00062%); highest among the groups gnomAD compares: South Asian, 0.0022%; no homozygotes.

Submissions (3):

Myriad Genetics, Inc.
Classification: Benign for Tumor predisposition syndrome 2. Last evaluated: 2026-06-11. Review status: criteria provided, single submitter. Criteria: Myriad Autosomal Dominant, Autosomal Recessive and X-Linked Classification Criteria (2023). Collection method: clinical testing. Allele origin: unknown.
Comment: This variant is considered benign. This variant is a silent/synonymous amino acid change and it is not expected to impact splicing.

Labcorp Genetics (formerly Invitae), Labcorp
Classification: Likely benign. Last evaluated: 2025-12-18. Review status: criteria provided, single submitter. Criteria: Invitae Variant Classification Sherloc (09022015). Collection method: clinical testing. Allele origin: germline.

Ambry Genetics
Classification: Likely benign for Inborn genetic diseases. Last evaluated: 2025-08-14. Review status: criteria provided, single submitter. Criteria: Ambry Variant Classification Scheme 2023. Collection method: clinical testing. Allele origin: germline.